The following is an entry in ClinVar:

NM_004006.3(DMD):c.2711C>A (p.Pro904His)

Gene: DMD (dystrophin; minus strand). Cytogenetic location: Xp21.1.
Variant type: single nucleotide variant.
Coding change: c.2711C>A on transcript NM_004006.3 (MANE Select); coding-DNA position 2711, C replaced by A.
Protein change: p.Pro904His; replaces proline 904 with histidine.
Molecular consequence: missense variant.
Genome position (GRCh38, 1-based): chrX:32,485,011, G>T on the plus strand (C>A on the coding strand, the complement: DMD is on the minus strand). VCF-style: chrX-32485011-G-T. GRCh37 (hg19) VCF-style: chrX-32503128-G-T.
Other names: c.2687C>A, p.Pro896His (NM_000109.4); c.2699C>A, p.Pro900His (NM_004009.3); c.2342C>A, p.Pro781His (NM_004010.3); short protein forms P900H, P896H, P781H, P904H.
Identifiers: ClinVar variation 2833007 (VCV002833007.3), dbSNP rs1336825710, ClinGen allele CA412670831.

ClinVar aggregate classification (germline): Uncertain significance (1 of 4 stars; one submission).

Conditions:
Duchenne muscular dystrophy (DMD). Also called: MUSCULAR DYSTROPHY, PSEUDOHYPERTROPHIC PROGRESSIVE, DUCHENNE TYPE; Duchenne Muscular Dystrophy (DMD). Identifiers: Orphanet 98896, MedGen C0013264, MONDO:0010679, OMIM 310200.

gnomAD v4.1: 4 of 1,211,081 alleles (0.00033%); highest among the groups gnomAD compares: Non-Finnish European, 0.00045%; no homozygotes.

Submission:

Labcorp Genetics (formerly Invitae), Labcorp
Classification: Uncertain significance for Duchenne muscular dystrophy. Last evaluated: 2025-12-29. Review status: criteria provided, single submitter. Criteria: Invitae Variant Classification Sherloc (09022015). Collection method: clinical testing. Allele origin: germline.
Comment: This sequence change replaces proline, which is neutral and non-polar, with histidine, which is basic and polar, at codon 904 of the DMD protein (p.Pro904His). This variant is not present in population databases (gnomAD no frequency). This variant has not been reported in the literature in individuals affected with DMD-related conditions. ClinVar contains an entry for this variant (Variation ID: 2833007). Invitae Evidence Modeling of protein sequence and biophysical properties (such as structural, functional, and spatial information, amino acid conservation, physicochemical variation, residue mobility, and thermodynamic stability) indicates that this missense variant is not expected to disrupt DMD protein function with a negative predictive value of 95%. In summary, the available evidence is currently insufficient to determine the role of this variant in disease. Therefore, it has been classified as a Variant of Uncertain Significance.